The following is an entry in ClinVar:

NM_001206999.2(CIT):c.958-1G>A

Gene: CIT (citron rho-interacting serine/threonine kinase; minus strand). Cytogenetic location: 12q24.23.
Variant type: single nucleotide variant.
Coding change: c.958-1G>A on transcript NM_001206999.2 (MANE Select); the canonical splice acceptor site of the intron before coding-DNA position 958, G replaced by A.
Molecular consequence: splice acceptor variant.
Genome position (GRCh38, 1-based): chr12:119,822,974, C>T on the plus strand (G>A on the coding strand, the complement: CIT is on the minus strand). VCF-style: chr12-119822974-C-T. GRCh37 (hg19) VCF-style: chr12-120260778-C-T.
Other names: c.958-1G>A (NM_007174.3).
Identifiers: ClinVar variation 3643476 (VCV003643476.2).

ClinVar aggregate classification (germline): Likely pathogenic (1 of 4 stars; one submission).

gnomAD v4.1: 2 of 1,599,404 alleles (0.00013%); highest among the groups gnomAD compares: Admixed American, 0.0036%; no homozygotes.

Submission:

Labcorp Genetics (formerly Invitae), Labcorp
Classification: Likely pathogenic. Last evaluated: 2024-04-22. Review status: criteria provided, single submitter. Criteria: Invitae Variant Classification Sherloc (09022015). Collection method: clinical testing. Allele origin: germline.
Comment: This sequence change affects an acceptor splice site in intron 8 of the CIT gene. It is expected to disrupt RNA splicing. Variants that disrupt the donor or acceptor splice site typically lead to a loss of protein function (PMID: 16199547), and loss-of-function variants in CIT are known to be pathogenic (PMID: 27453579). This variant is not present in population databases (gnomAD no frequency). This variant has not been reported in the literature in individuals affected with CIT-related conditions. Algorithms developed to predict the effect of sequence changes on RNA splicing suggest that this variant may disrupt the consensus splice site. In summary, the currently available evidence indicates that the variant is pathogenic, but additional data are needed to prove that conclusively. Therefore, this variant has been classified as Likely Pathogenic.

Literature cited by the submitters: PubMed 16199547; PubMed 27453579.